The following is an entry in ClinVar:

ClinVar aggregate classification (germline): Pathogenic. Review status: criteria provided, multiple submitters, no conflicts (2 of 4 stars). 2 submissions from 2 submitters: Pathogenic (2). Last evaluated 2020-06-01.

Conditions:
Marfan Syndrome/Loeys-Dietz Syndrome/Familial Thoracic Aortic Aneurysms and Dissections. Identifiers: MedGen CN229799.
Familial thoracic aortic aneurysm and aortic dissection (TAAD). Also called: Thoracic aortic aneurysms and dissections. Identifiers: Orphanet 91387, MedGen C4707243, MONDO:0019625.
Marfan syndrome (MFS). Also called: FBN1-Related Marfan Syndrome; Marfan syndrome type 1; Marfan's syndrome; Marfan syndrome, classic; MARFAN SYNDROME, TYPE I. Identifiers: Orphanet 284963, Orphanet 558, MedGen C0024796, MONDO:0007947, OMIM 154700.

Submissions (2):

Labcorp Genetics (formerly Invitae), Labcorp
Classification: Pathogenic for Marfan syndrome; Familial thoracic aortic aneurysm and aortic dissection. Last evaluated: 2020-06-01. Review status: criteria provided, single submitter. Criteria: Invitae Variant Classification Sherloc (09022015). Collection method: clinical testing. Allele origin: germline.
Comment: This variant is not present in population databases (ExAC no frequency). This sequence change creates a premature translational stop signal (p.Thr2315Ilefs*4) in the FBN1 gene. It is expected to result in an absent or disrupted protein product. This variant has been observed in an individual affected with Marfan syndrome (PMID: 28941062). ClinVar contains an entry for this variant (Variation ID: 581318). Loss-of-function variants in FBN1 are known to be pathogenic (PMID: 17657824, 19293843). For these reasons, this variant has been classified as Pathogenic.

Women's Health and Genetics/Laboratory Corporation of America, LabCorp
Classification: Pathogenic for Marfan Syndrome/Loeys-Dietz Syndrome/Familial Thoracic Aortic Aneurysms and Dissections. Last evaluated: 2019-05-06. Review status: criteria provided, single submitter. Criteria: LabCorp Variant Classification Summary - May 2015. Collection method: clinical testing. Allele origin: germline.
Comment: Variant summary: FBN1 c.6940_6943dupTACA (p.Thr2315IlefsX4) results in a premature termination codon, predicted to cause a truncation of the encoded protein or absence of the protein due to nonsense mediated decay, which are commonly known mechanisms for disease. Truncations downstream of this position have been classified as pathogenic by our laboratory. The variant was absent in 251264 control chromosomes. c.6940_6943dupTACA has been reported in the literature in individuals affected with Marfan Syndrome (Vatti_2017). To our knowledge, no experimental evidence demonstrating an impact on protein function has been reported. One clinical diagnostic laboratory has submitted clinical-significance assessments for this variant to ClinVar after 2014 without evidence for independent evaluation and classified the variant as pathogenic citing the same publication captured above. Based on the evidence outlined above, the variant was classified as pathogenic.

Literature cited by the submitters: PubMed 28941062 (cited by Labcorp Genetics (formerly Invitae), Labcorp and Women's Health and Genetics/Laboratory Corporation of America, LabCorp); PubMed 17657824 (cited by Labcorp Genetics (formerly Invitae), Labcorp); PubMed 19293843 (cited by Labcorp Genetics (formerly Invitae), Labcorp).

NM_000138.5(FBN1):c.6940_6943dup (p.Thr2315fs)

Gene: FBN1 (fibrillin 1; minus strand). Cytogenetic location: 15q21.1.
Variant type: Duplication.
Coding change: c.6940_6943dup on transcript NM_000138.5 (MANE Select); coding-DNA positions 6940 to 6943, 4 bases duplicated (TACA; older notation c.6940_6943dupTACA).
Protein change: p.Thr2315fs; shifts the reading frame from threonine 2315.
Molecular consequence: frameshift variant.
Genome position (GRCh38, 1-based): chr15:48,428,400-48,428,403, TGTA duplicated on the plus strand (TACA on the coding strand, the reverse complement: FBN1 is on the minus strand). VCF-style (leftmost placement, unchanged base first): chr15-48428399-G-GTGTA. GRCh37 (hg19) VCF-style: chr15-48720596-G-GTGTA.
Other names: c.6940_6943dupTACA (NM_000138.4); short protein forms T2315fs.
Identifiers: ClinVar variation 581318 (VCV000581318.11), dbSNP rs1566893738, ClinGen allele CA891844186.